The following is an entry in ClinVar:

NM_001267550.2(TTN):c.33325G>A (p.Glu11109Lys)

Gene: TTN (titin; minus strand). Cytogenetic location: 2q31.2.
Variant type: single nucleotide variant.
Coding change: c.33325G>A on transcript NM_001267550.2 (MANE Select); coding-DNA position 33325, G replaced by A.
Protein change: p.Glu11109Lys; replaces glutamic acid 11109 with lysine.
Molecular consequence: missense variant. On other transcripts: intron variant (3).
Genome position (GRCh38, 1-based): chr2:178,681,094, C>T on the plus strand (G>A on the coding strand, the complement: TTN is on the minus strand). VCF-style: chr2-178681094-C-T. GRCh37 (hg19) VCF-style: chr2-179545821-C-T.
Other names: c.32374G>A, p.Glu10792Lys (NM_001256850.1); c.29593G>A, p.Glu9865Lys (NM_133378.4); c.13283-38777G>A (NM_003319.4); c.13859-38777G>A (NM_133437.4); c.13658-38777G>A (NM_133432.3); short protein forms E10792K, E11109K, E9865K.
Identifiers: ClinVar variation 1031087 (VCV001031087.1), dbSNP rs1420096611, ClinGen allele CA349538661.

ClinVar aggregate classification (germline): Uncertain significance (1 of 4 stars; one submission).

Conditions:
Early-onset myopathy with fatal cardiomyopathy (CMYO5). Also called: CONGENITAL MYOPATHY 5 WITH CARDIOMYOPATHY; Salih Myopathy. Identifiers: Orphanet 289377, MedGen C2673677, MONDO:0012714, OMIM 611705. Disease mechanism: loss of function.

Allele frequency attached by ClinVar (database versions not stated): gnomAD exomes below 0.00001.
gnomAD v4.1: 2 of 1,602,050 alleles (0.00012%); highest among the groups gnomAD compares: Non-Finnish European, 0.00017%; no homozygotes.

Submission:

Baylor Genetics
Classification: Uncertain significance for Early-onset myopathy with fatal cardiomyopathy. Last evaluated: 2019-10-18. Review status: criteria provided, single submitter. Criteria: ACMG Guidelines, 2015. Collection method: clinical testing. Allele origin: unknown. Affected: yes.
Comment: This variant was determined to be of uncertain significance according to ACMG Guidelines, 2015 [PMID:25741868].